The following is an entry in ClinVar:

NM_001211.6(BUB1B):c.1042G>A (p.Ala348Thr)

Gene: BUB1B (BUB1 mitotic checkpoint serine/threonine kinase B; plus strand). Cytogenetic location: 15q15.1.
Variant type: single nucleotide variant.
Coding change: c.1042G>A on transcript NM_001211.6 (MANE Select); coding-DNA position 1042, G replaced by A.
Protein change: p.Ala348Thr; replaces alanine 348 with threonine.
Molecular consequence: missense variant.
Genome position (GRCh38, 1-based): chr15:40,185,626, G>A. VCF-style: chr15-40185626-G-A. GRCh37 (hg19) VCF-style: chr15-40477827-G-A.
Other names: short protein forms A348T.
Identifiers: ClinVar variation 2915294 (VCV002915294.3), dbSNP rs777810016, ClinGen allele CA7475635.

ClinVar aggregate classification (germline): Uncertain significance (1 of 4 stars; one submission).

Conditions:
Mosaic variegated aneuploidy syndrome 1 (MVA1). Also called: Warburton-Anyane-Yeboa syndrome. Identifiers: Orphanet 1052, MedGen C1850343, MONDO:0009759, OMIM 257300.

Allele frequency attached by ClinVar (database versions not stated): gnomAD exomes below 0.00001; ExAC 0.00001; gnomAD 0.00001; TOPMed 0.00001.
gnomAD v4.1: 6 of 1,613,730 alleles (0.00037%); highest among the groups gnomAD compares: Non-Finnish European, 0.00042%; no homozygotes.

Submission:

Labcorp Genetics (formerly Invitae), Labcorp
Classification: Uncertain significance for Mosaic variegated aneuploidy syndrome 1. Last evaluated: 2024-03-08. Review status: criteria provided, single submitter. Criteria: Invitae Variant Classification Sherloc (09022015). Collection method: clinical testing. Allele origin: germline.
Comment: This sequence change replaces alanine, which is neutral and non-polar, with threonine, which is neutral and polar, at codon 348 of the BUB1B protein (p.Ala348Thr). This variant is not present in population databases (gnomAD no frequency). This variant has not been reported in the literature in individuals affected with BUB1B-related conditions. An algorithm developed to predict the effect of missense changes on protein structure and function (PolyPhen-2) suggests that this variant is likely to be tolerated. In summary, the available evidence is currently insufficient to determine the role of this variant in disease. Therefore, it has been classified as a Variant of Uncertain Significance.